The following is an entry in ClinVar:

NM_172351.3(CD46):c.1094C>T (p.Thr365Ile)

Gene: CD46 (CD46 molecule; plus strand). Cytogenetic location: 1q32.2.
Variant type: single nucleotide variant.
Coding change: c.1094C>T on transcript NM_172351.3 (MANE Select); coding-DNA position 1094, C replaced by T.
Protein change: p.Thr365Ile; replaces threonine 365 with isoleucine.
Molecular consequence: missense variant. On other transcripts: intron variant (7).
Genome position (GRCh38, 1-based): chr1:207,790,264, C>T. VCF-style: chr1-207790264-C-T. GRCh37 (hg19) VCF-style: chr1-207963609-C-T.
Other names: c.1139C>T, p.Thr380Ile (NM_002389.4); c.1049C>T, p.Thr350Ile (NM_172352.3); c.1052C>T, p.Thr351Ile (NM_172355.3); c.1007C>T, p.Thr336Ile (NM_172357.3); c.1128-3255C>T (NM_172359.3); c.1083-3255C>T (NM_153826.4); c.1046-3255C>T (NM_172358.3); c.1041-3255C>T (NM_172356.3); and 3 more; short protein forms T380I, T350I, T351I, T365I, T336I.
Identifiers: ClinVar variation 3667392 (VCV003667392.3).

ClinVar aggregate classification (germline): Uncertain significance. Review status: criteria provided, multiple submitters, no conflicts (2 of 4 stars). 2 submissions from 2 submitters: Uncertain significance (2). Last evaluated 2026-04-15.

gnomAD v4.1: 24 of 1,580,270 alleles (0.0015%); highest among the groups gnomAD compares: Admixed American, 0.01%; no homozygotes.

Submissions (2):

Women's Health and Genetics/Laboratory Corporation of America, LabCorp
Classification: Uncertain significance. Last evaluated: 2026-04-15. Review status: criteria provided, single submitter. Criteria: LabCorp Variant Classification Summary - May 2015. Collection method: clinical testing. Allele origin: germline.
Comment: Variant summary: CD46 c.1139C>T (p.Thr380Ile) results in a non-conservative amino acid change in the encoded protein sequence. Algorithms developed to predict the effect of missense changes on protein structure and function are either unavailable or do not agree on the potential impact of this missense change. The variant allele was found at a frequency of 4e-05 in 251314 control chromosomes. This frequency is not significantly higher than estimated for disease-causing variants in CD46, allowing no conclusion about variant significance. To our knowledge, no occurrence of c.1139C>T in individuals affected with CD46-related conditions and no experimental evidence demonstrating its impact on protein function have been reported. ClinVar contains an entry for this variant (Variation ID: 3667392). Based on the evidence outlined above, the variant was classified as uncertain significance.

Labcorp Genetics (formerly Invitae), Labcorp
Classification: Uncertain significance. Last evaluated: 2024-11-03. Review status: criteria provided, single submitter. Criteria: Invitae Variant Classification Sherloc (09022015). Collection method: clinical testing. Allele origin: germline.
Comment: This sequence change replaces threonine, which is neutral and polar, with isoleucine, which is neutral and non-polar, at codon 380 of the CD46 protein (p.Thr380Ile). This variant is present in population databases (rs201231410, gnomAD 0.06%). This variant has not been reported in the literature in individuals affected with CD46-related conditions. An algorithm developed to predict the effect of missense changes on protein structure and function (PolyPhen-2) suggests that this variant is likely to be tolerated. In summary, the available evidence is currently insufficient to determine the role of this variant in disease. Therefore, it has been classified as a Variant of Uncertain Significance.